The following is an entry in ClinVar:

NM_000452.3(SLC10A2):c.378-3C>A

Gene: SLC10A2 (solute carrier family 10 member 2; minus strand). Cytogenetic location: 13q33.1.
Variant type: single nucleotide variant.
Coding change: c.378-3C>A on transcript NM_000452.3 (MANE Select); 3 bases into the intron before coding-DNA position 378, C replaced by A.
Molecular consequence: intron variant.
Genome position (GRCh38, 1-based): chr13:103,058,385, G>T on the plus strand (C>A on the coding strand, the complement: SLC10A2 is on the minus strand). VCF-style: chr13-103058385-G-T. GRCh37 (hg19) VCF-style: chr13-103710735-G-T.
Identifiers: ClinVar variation 2870561 (VCV002870561.3), dbSNP rs1187495200, ClinGen allele CA694386729.

ClinVar aggregate classification (germline): Uncertain significance (1 of 4 stars; one submission).

Allele frequency attached by ClinVar (database versions not stated): gnomAD exomes 0.00001.
gnomAD v4.1: 13 of 1,570,186 alleles (0.00083%); highest among the groups gnomAD compares: Admixed American, 0.0017%; no homozygotes.

Submission:

Labcorp Genetics (formerly Invitae), Labcorp
Classification: Uncertain significance. Last evaluated: 2024-09-15. Review status: criteria provided, single submitter. Criteria: Invitae Variant Classification Sherloc (09022015). Collection method: clinical testing. Allele origin: germline.
Comment: This sequence change falls in intron 1 of the SLC10A2 gene. It does not directly change the encoded amino acid sequence of the SLC10A2 protein. It affects a nucleotide within the consensus splice site. This variant is not present in population databases (gnomAD no frequency). This variant has not been reported in the literature in individuals affected with SLC10A2-related conditions. Variants that disrupt the consensus splice site are a relatively common cause of aberrant splicing (PMID: 17576681, 9536098). Algorithms developed to predict the effect of sequence changes on RNA splicing suggest that this variant may disrupt the consensus splice site. In summary, the available evidence is currently insufficient to determine the role of this variant in disease. Therefore, it has been classified as a Variant of Uncertain Significance.

Literature cited by the submitters: PubMed 17576681; PubMed 9536098.